The following is an entry in ClinVar:

ClinVar aggregate classification (germline): Uncertain significance (1 of 4 stars; one submission).

Conditions:
Cornelia de Lange syndrome 1 (CDLS1). Also called: TYPUS DEGENERATIVUS AMSTELODAMENSIS; Brachmann de Lange syndrome; NIPBL-Related Cornelia de Lange Syndrome. Identifiers: Orphanet 199, MedGen C4551851, MONDO:0007387, OMIM 122470.

Allele frequency attached by ClinVar (database versions not stated): gnomAD exomes 0.00001; gnomAD 0.00003; TOPMed 0.00003.
gnomAD v4.1: 20 of 1,613,988 alleles (0.0012%); highest among the groups gnomAD compares: African/African-American, 0.0093%; no homozygotes.

Submission:

Labcorp Genetics (formerly Invitae), Labcorp
Classification: Uncertain significance for Cornelia de Lange syndrome 1. Last evaluated: 2022-08-02. Review status: criteria provided, single submitter. Criteria: Invitae Variant Classification Sherloc (09022015). Collection method: clinical testing. Allele origin: germline.
Comment: This sequence change replaces alanine, which is neutral and non-polar, with threonine, which is neutral and polar, at codon 2798 of the NIPBL protein (p.Ala2798Thr). This variant is present in population databases (no rsID available, gnomAD 0.02%). This variant has not been reported in the literature in individuals affected with NIPBL-related conditions. Advanced modeling of protein sequence and biophysical properties (such as structural, functional, and spatial information, amino acid conservation, physicochemical variation, residue mobility, and thermodynamic stability) performed at Invitae indicates that this missense variant is expected to disrupt NIPBL protein function. In summary, the available evidence is currently insufficient to determine the role of this variant in disease. Therefore, it has been classified as a Variant of Uncertain Significance.

NM_133433.4(NIPBL):c.8392G>A (p.Ala2798Thr)

Gene: NIPBL (NIPBL cohesin loading factor; plus strand). Cytogenetic location: 5p13.2.
Variant type: single nucleotide variant.
Coding change: c.8392G>A on transcript NM_133433.4 (MANE Select); coding-DNA position 8392, G replaced by A.
Protein change: p.Ala2798Thr; replaces alanine 2798 with threonine.
Molecular consequence: missense variant. On other transcripts: 3 prime UTR variant (1).
Genome position (GRCh38, 1-based): chr5:37,064,869, G>A. VCF-style: chr5-37064869-G-A. GRCh37 (hg19) VCF-style: chr5-37064971-G-A.
Other names: c.*846G>A (NM_015384.5); short protein forms A2798T.
Identifiers: ClinVar variation 2055765 (VCV002055765.4), dbSNP rs1029099152, ClinGen allele CA117059099.